The following is an entry in ClinVar:

ClinVar aggregate classification (germline): Uncertain significance (1 of 4 stars; one submission).

Conditions:
Orofacial cleft 11 (OFC11). Also called: CLEFT LIP WITH OR WITHOUT CLEFT PALATE, NONSYNDROMIC, 11; Orofacial cleft 11; ofc11. Identifiers: MedGen C2677434, MONDO:0010906, OMIM 600625.
Microphthalmia with brain and digit anomalies (MCOPS6). Also called: MICROPHTHALMIA AND PITUITARY ANOMALIES; Microphthalmia, syndromic 6. Identifiers: Orphanet 139471, MedGen C1864689, MONDO:0011936, OMIM 607932.

Submission:

Labcorp Genetics (formerly Invitae), Labcorp
Classification: Uncertain significance for Microphthalmia with brain and digit anomalies; Orofacial cleft 11. Last evaluated: 2020-11-06. Review status: criteria provided, single submitter. Criteria: Invitae Variant Classification Sherloc (09022015). Collection method: clinical testing. Allele origin: germline.
Comment: In summary, the available evidence is currently insufficient to determine the role of this variant in disease. Therefore, it has been classified as a Variant of Uncertain Significance. Algorithms developed to predict the effect of missense changes on protein structure and function are either unavailable or do not agree on the potential impact of this missense change (SIFT: "Deleterious"; PolyPhen-2: "Probably Damaging"; Align-GVGD: "Class C15"). This variant has not been reported in the literature in individuals with BMP4-related conditions. This variant is not present in population databases (ExAC no frequency). This sequence change replaces phenylalanine with leucine at codon 142 of the BMP4 protein (p.Phe142Leu). The phenylalanine residue is highly conserved and there is a small physicochemical difference between phenylalanine and leucine.

NM_001202.6(BMP4):c.426T>A (p.Phe142Leu)

Gene: BMP4 (bone morphogenetic protein 4; minus strand). Cytogenetic location: 14q22.2.
Variant type: single nucleotide variant.
Coding change: c.426T>A on transcript NM_001202.6 (MANE Select); coding-DNA position 426, T replaced by A.
Protein change: p.Phe142Leu; replaces phenylalanine 142 with leucine.
Molecular consequence: missense variant.
Genome position (GRCh38, 1-based): chr14:53,950,833, A>T on the plus strand (T>A on the coding strand, the complement: BMP4 is on the minus strand). VCF-style: chr14-53950833-A-T. GRCh37 (hg19) VCF-style: chr14-54417551-A-T.
Other names: c.567T>A, p.Phe189Leu (NM_001347912.1); c.237T>A, p.Phe79Leu (NM_001347913.2, NM_001347915.2, NM_001347917.1); c.426T>A, p.Phe142Leu (NM_001347914.2, NM_001347916.1, NM_130850.5 and 1 more transcripts); short protein forms F79L, F142L, F189L.
Identifiers: ClinVar variation 971910 (VCV000971910.9), dbSNP rs1895364575, ClinGen allele CA389784735.